The following is an entry in ClinVar:

NM_020166.5(MCCC1):c.1397A>G (p.Asn466Ser)

Gene: MCCC1 (methylcrotonyl-CoA carboxylase subunit 1; minus strand). Cytogenetic location: 3q27.1.
Variant type: single nucleotide variant.
Coding change: c.1397A>G on transcript NM_020166.5 (MANE Select); coding-DNA position 1397, A replaced by G.
Protein change: p.Asn466Ser; replaces asparagine 466 with serine.
Molecular consequence: missense variant. On other transcripts: non-coding transcript variant (1).
Genome position (GRCh38, 1-based): chr3:183,037,415, T>C on the plus strand (A>G on the coding strand, the complement: MCCC1 is on the minus strand). VCF-style: chr3-183037415-T-C. GRCh37 (hg19) VCF-style: chr3-182755203-T-C.
Other names: c.1046A>G, p.Asn349Ser (NM_001293273.2); c.1070A>G, p.Asn357Ser (NM_001363880.1); short protein forms N349S, N357S, N466S.
Identifiers: ClinVar variation 1308906 (VCV001308906.2), dbSNP rs751228970, ClinGen allele CA2718782.

ClinVar aggregate classification (germline): Uncertain significance (1 of 4 stars; one submission).

Allele frequency attached by ClinVar (database versions not stated): gnomAD exomes 0.00001; ExAC 0.00001.
gnomAD v4.1: 10 of 1,614,144 alleles (0.00062%); highest among the groups gnomAD compares: Non-Finnish European, 0.00085%; no homozygotes.

Submission:

GeneDx
Classification: Uncertain significance. Last evaluated: 2019-09-24. Review status: criteria provided, single submitter. Criteria: GeneDx Variant Classification Process June 2021. Collection method: clinical testing. Allele origin: germline. Affected: yes.
Comment: Has not been previously published as pathogenic or benign to our knowledge; Not observed at a significant frequency in large population cohorts (Lek et al., 2016); In silico analysis, which includes protein predictors and evolutionary conservation, supports a deleterious effect